The following is an entry in ClinVar:

NM_005055.5(RAPSN):c.848T>C (p.Leu283Pro)

Gene: RAPSN (receptor associated protein of the synapse; minus strand). Cytogenetic location: 11p11.2.
Variant type: single nucleotide variant.
Coding change: c.848T>C on transcript NM_005055.5 (MANE Select); coding-DNA position 848, T replaced by C.
Protein change: p.Leu283Pro; replaces leucine 283 with proline.
Molecular consequence: missense variant. On other transcripts: intron variant (1).
Genome position (GRCh38, 1-based): chr11:47,441,675, A>G on the plus strand (T>C on the coding strand, the complement: RAPSN is on the minus strand). VCF-style: chr11-47441675-A-G. GRCh37 (hg19) VCF-style: chr11-47463227-A-G.
Other names: c.789+148T>C (NM_032645.5); short protein forms L283P.
Identifiers: ClinVar variation 8052 (VCV000008052.19), dbSNP rs104894293, ClinGen allele CA119255.

ClinVar aggregate classification (germline): Conflicting classifications of pathogenicity. Review status: criteria provided, conflicting classifications (1 of 4 stars). 13 submissions from 12 submitters: Pathogenic (1); Likely pathogenic (8); Uncertain significance (3). 1 of the submissions does not count toward it. Last evaluated 2026-03-15.

Conditions:
Fetal akinesia deformation sequence 2. Identifiers: MedGen C4760576, MONDO:0100102, OMIM 618388.
Global developmental delay (DD). Also called: Cognitive delay. Identifiers: MedGen C0557874, HP:0001263. Disease mechanism: loss of function.
Fetal akinesia deformation sequence 1 (FADS1). Also called: Pena-Shokeir syndrome type I; Fetal akinesia sequence. Identifiers: Orphanet 994, MedGen C1276035, MONDO:0100101, OMIM 208150, HP:0001989.
Congenital myasthenic syndrome 11. Also called: MYASTHENIC SYNDROME, CONGENITAL, Ie; Myasthenic syndrome, congenital, 11, associated with acetylcholine receptor deficiency. Identifiers: Orphanet 590, MedGen C4225367, MONDO:0014588, OMIM 616326.
RAPSN-related disorder. Also called: RAPSN-related condition; RAPSN-related disorders. Identifiers: MedGen CN239397.
Congenital myasthenic syndrome (CMS). Also called: Congenital Myasthenic Syndromes. Identifiers: Orphanet 590, MedGen C0751882, MeSH D020294, MONDO:0018940.
Fetal anomalies with a likely genetic cause.

Allele frequency attached by ClinVar (database versions not stated): ExAC 0.00004; gnomAD exomes 0.00004 and 0.00012; gnomAD 0.00005; TOPMed 0.00006 and 0.00011.
gnomAD v4.1: 177 of 1,609,682 alleles (0.011%); highest among the groups gnomAD compares: Non-Finnish European, 0.014%; no homozygotes.

Submissions (13):

Genetics Laboratory, Great Ormond Street Hospital NHS Foundation Trust, North Thames Genomic Laboratory Hub
Classification: Likely pathogenic for Fetal anomalies with a likely genetic cause. Last evaluated: 2026-03-15. Review status: criteria provided, single submitter. Criteria: ACGS Best Practice Guidelines for Variant Classification in Rare Disease 2024 v1.2. Collection method: clinical testing. Allele origin: germline. Affected: yes.
Comment: PM2_moderate, PS3_supporting, PM3_strong

Labcorp Genetics (formerly Invitae), Labcorp
Classification: Likely pathogenic for Congenital myasthenic syndrome 11; Fetal akinesia deformation sequence 1. Last evaluated: 2026-01-25. Review status: criteria provided, single submitter. Criteria: Invitae Variant Classification Sherloc (09022015). Collection method: clinical testing. Allele origin: germline.
Comment: This sequence change replaces leucine, which is neutral and non-polar, with proline, which is neutral and non-polar, at codon 283 of the RAPSN protein (p.Leu283Pro). This variant is present in population databases (rs104894293, gnomAD 0.008%). This missense change has been observed in individuals with congenital myasthenic syndrome (PMID: 16931511, 33820833, 36007526). ClinVar contains an entry for this variant (Variation ID: 8052). Invitae Evidence Modeling of protein sequence and biophysical properties (such as structural, functional, and spatial information, amino acid conservation, physicochemical variation, residue mobility, and thermodynamic stability) indicates that this missense variant is expected to disrupt RAPSN protein function with a positive predictive value of 95%. Experimental studies have shown that this missense change affects RAPSN function (PMID: 16931511). In summary, the currently available evidence indicates that the variant is pathogenic, but additional data are needed to prove that conclusively. Therefore, this variant has been classified as Likely Pathogenic.

Natera, Inc.
Classification: Likely pathogenic for Congenital myasthenic syndrome. Last evaluated: 2025-08-18. Review status: criteria provided, single submitter. Criteria: Natera Variant Classification Schema (03/2026). Collection method: clinical testing. Allele origin: germline.
Comment: The c.848T>C variant in RAPSN is a missense variant predicted to cause substitution of leucine to proline at amino acid 283. This variant is rare in the general population with a frequency below the threshold expected for the associated phenotype(s). This variant has been observed in one or more individuals affected with the associated recessive disease, as either homozygous or compound heterozygous with a second variant (PMID: 16931511, 36007526, 38696726). Computational prediction algorithms indicate this variant is likely to affect gene or protein function. Given the available evidence, this variant is classified as Likely Pathogenic.

GeneDx
Classification: Uncertain significance. Last evaluated: 2025-02-27. Review status: criteria provided, single submitter. Criteria: GeneDx Variant Classification Process June 2021. Collection method: clinical testing. Allele origin: germline. Affected: yes.
Comment: Reported in the published literature in a proband with congenital contractures, apneic events and seizures with cyanosis who also harbored an additional variant in the RAPSN gene (PMID: 16931511); In silico analysis indicates that this missense variant does not alter protein structure/function; Not observed at significant frequency in large population cohorts (gnomAD); Published functional studies suggest a damaging effect on protein function (PMID: 16931511); This variant is associated with the following publications: (PMID: 31589614, 17686188, 36007526, 33820833, 16931511)

Baylor Genetics
Classification: Likely pathogenic for Fetal akinesia deformation sequence 2. Last evaluated: 2024-03-23. Review status: criteria provided, single submitter. Criteria: ACMG Guidelines, 2015. Collection method: clinical testing. Allele origin: unknown.

Blueprint Genetics
Classification: Likely pathogenic for RAPSN-related disorders. Last evaluated: 2022-09-28. Review status: criteria provided, single submitter. Criteria: ACMG Guidelines, 2015. Collection method: clinical testing. Allele origin: germline. Affected: yes. Observed: 5 variant alleles.

Rady Children's Institute for Genomic Medicine, Rady Children's Hospital San Diego
Classification: Likely pathogenic for RAPSN-related disorders. Last evaluated: 2020-06-29. Review status: criteria provided, single submitter. Criteria: ACMG Guidelines, 2015. Collection method: clinical testing. Allele origin: germline. Affected: yes.
Comment: This variant has been previously reported as a compound heterozygous change with a splicing variant in one patient with Congenital myasthenic syndrome (CMS, PMID: 16931511). This alteration is located upstream of the coiled-coil region of rapsyn shown to be important for the interaction between rapsyn and acetylcholine receptor (AChR) (PMID: 11791205). In-vitro cotransfection studies using mammalian cells indicated that this variant significantly diminishes coclustering of AChR with rapsyn (PMID: 16931511). It is present in the heterozygous state in the gnomAD population database at a frequency of 0.004% (10/246168) and thus is presumed to be rare. The majority of utilized in-silico tools support a deleterious effect of the c.848T>C (p.Leu283Pro) variant on protein function. Based on the available evidence, the c.848T>C (p.Leu283Pro) variant is classified as Likely Pathogenic.

Athena Diagnostics
Classification: Likely pathogenic. Last evaluated: 2020-01-03. Review status: criteria provided, single submitter. Criteria: Athena Diagnostics Criteria. Collection method: clinical testing. Allele origin: unknown.
Comment: The frequency of this variant in the general population is consistent with pathogenicity. Found in at least one patient with expected phenotype for this gene. Conflicting predictions of the effect on the protein. Assessment of experimental evidence suggests this variant results in abnormal protein function.

Cytogénomique, Hospices Civils de Lyon
Classification: Pathogenic for Global developmental delay. Last evaluated: 2019-11-01. Review status: criteria provided, single submitter. Criteria: ACMG Guidelines, 2015. Collection method: clinical testing. Allele origin: germline. Affected: yes.

Revvity Omics, Revvity
Classification: Uncertain significance. Last evaluated: 2019-03-06. Review status: criteria provided, single submitter. Criteria: ACMG Guidelines, 2015. Collection method: clinical testing. Allele origin: germline.

Baylor Genetics
Classification: Uncertain significance for Fetal akinesia deformation sequence 1. Last evaluated: 2018-11-24. Review status: criteria provided, single submitter. Criteria: ACMG Guidelines, 2015. Collection method: clinical testing. Allele origin: paternal. Affected: yes.
Comment: This variant was determined to be of uncertain significance according to ACMG Guidelines, 2015 [PMID:25741868].

Eurofins Ntd Llc (ga)
Classification: Likely pathogenic. Last evaluated: 2015-04-16. Review status: criteria provided, single submitter. Criteria: EGL Classification Definitions 2015. Collection method: clinical testing. Allele origin: germline. Observed: 2 variant alleles, 2 heterozygotes.

OMIM
Classification: Pathogenic for MYASTHENIC SYNDROME, CONGENITAL, 11, ASSOCIATED WITH ACETYLCHOLINE RECEPTOR DEFICIENCY. Last evaluated: 2006-10-10. Review status: no assertion criteria provided. Collection method: literature only. Allele origin: germline. Not counted in ClinVar's aggregate classification.

Literature cited by the submitters: PubMed 16931511 (cited by 4 submitters); PubMed 33820833 (cited by Labcorp Genetics (formerly Invitae), Labcorp); PubMed 36007526 (cited by Labcorp Genetics (formerly Invitae), Labcorp and Natera, Inc.); PubMed 38696726 (cited by Natera, Inc.); PubMed 17686188 (cited by Athena Diagnostics).